The following is an entry in ClinVar:

NM_004006.3(DMD):c.7402G>C (p.Glu2468Gln)

Gene: DMD (dystrophin; minus strand). Cytogenetic location: Xp21.1.
Variant type: single nucleotide variant.
Coding change: c.7402G>C on transcript NM_004006.3 (MANE Select); coding-DNA position 7402, G replaced by C.
Protein change: p.Glu2468Gln; replaces glutamic acid 2468 with glutamine.
Molecular consequence: missense variant.
Genome position (GRCh38, 1-based): chrX:31,774,100, C>G on the plus strand (G>C on the coding strand, the complement: DMD is on the minus strand). VCF-style: chrX-31774100-C-G. GRCh37 (hg19) VCF-style: chrX-31792217-C-G.
Other names: c.7378G>C, p.Glu2460Gln (NM_000109.4); c.7390G>C, p.Glu2464Gln (NM_004009.3); c.7033G>C, p.Glu2345Gln (NM_004010.3); c.3379G>C, p.Glu1127Gln (NM_004011.4); c.3370G>C, p.Glu1124Gln (NM_004012.4); c.22G>C, p.Glu8Gln (NM_004013.3, NM_004020.4, NM_004021.3 and 2 more transcripts); short protein forms E2468Q, E2460Q, E8Q, E1127Q, E2345Q, E2464Q, E1124Q.
Identifiers: ClinVar variation 579617 (VCV000579617.9), dbSNP rs128626253, ClinGen allele CA412659005.

ClinVar aggregate classification (germline): Uncertain significance (1 of 4 stars; one submission).

Conditions:
Duchenne muscular dystrophy (DMD). Also called: MUSCULAR DYSTROPHY, PSEUDOHYPERTROPHIC PROGRESSIVE, DUCHENNE TYPE; Duchenne Muscular Dystrophy (DMD). Identifiers: Orphanet 98896, MedGen C0013264, MONDO:0010679, OMIM 310200.

Submission:

Labcorp Genetics (formerly Invitae), Labcorp
Classification: Uncertain significance for Duchenne muscular dystrophy. Last evaluated: 2018-06-01. Review status: criteria provided, single submitter. Criteria: Invitae Variant Classification Sherloc (09022015). Collection method: clinical testing. Allele origin: germline.
Comment: Algorithms developed to predict the effect of missense changes on protein structure and function are either unavailable or do not agree on the potential impact of this missense change (SIFT: "Deleterious"; PolyPhen-2: "Possibly Damaging"; Align-GVGD: "Class C0"). This variant has not been reported in the literature in individuals with DMD-related disease. This variant is not present in population databases (ExAC no frequency). This sequence change replaces glutamic acid with glutamine at codon 2468 of the DMD protein (p.Glu2468Gln). The glutamic acid residue is highly conserved and there is a small physicochemical difference between glutamic acid and glutamine. In summary, the available evidence is currently insufficient to determine the role of this variant in disease. Therefore, it has been classified as a Variant of Uncertain Significance.